The following is an entry in ClinVar:

NM_000038.6(APC):c.600G>C (p.Met200Ile)

Gene: APC (APC regulator of Wnt signaling pathway; plus strand). Cytogenetic location: 5q22.2.
Variant type: single nucleotide variant.
Coding change: c.600G>C on transcript NM_000038.6 (MANE Select); coding-DNA position 600, G replaced by C.
Protein change: p.Met200Ile; replaces methionine 200 with isoleucine.
Molecular consequence: missense variant. On other transcripts: 5 prime UTR variant (1).
Genome position (GRCh38, 1-based): chr5:112,780,858, G>C. VCF-style: chr5-112780858-G-C. GRCh37 (hg19) VCF-style: chr5-112116555-G-C.
Other names: c.600G>C, p.Met200Ile (NM_001127510.3, NM_001354895.2, NM_001354896.2 and 2 more transcripts); c.630G>C, p.Met210Ile (NM_001127511.3, NM_001354897.2, NM_001354902.2); c.525G>C, p.Met175Ile (NM_001354898.2, NM_001354904.2); c.423G>C, p.Met141Ile (NM_001354900.2, NM_001354901.2, NM_001354905.2); c.-436G>C (NM_001354906.2); short protein forms M210I, M200I, M175I, M141I.
Identifiers: ClinVar variation 571507 (VCV000571507.16), dbSNP rs1561485739, ClinGen allele CA16022648.

ClinVar aggregate classification (germline): Uncertain significance. Review status: criteria provided, multiple submitters, no conflicts (2 of 4 stars). 3 submissions from 3 submitters: Uncertain significance (3). Last evaluated 2024-04-15.

Conditions:
Hereditary cancer-predisposing syndrome. Also called: Hereditary neoplastic syndrome; Tumor predisposition; Neoplastic Syndromes, Hereditary; Hereditary Cancer Syndrome. Identifiers: Orphanet 140162, MedGen C0027672, MeSH D009386, MONDO:0015356.
Familial adenomatous polyposis 1 (FAP1). Also called: POLYPOSIS, ADENOMATOUS INTESTINAL; FAMILIAL ADENOMATOUS POLYPOSIS 1, ATTENUATED. Identifiers: MedGen C2713442, MONDO:0021056, OMIM 175100. Disease mechanism: loss of function.

Submissions (3):

Labcorp Genetics (formerly Invitae), Labcorp
Classification: Uncertain significance for Familial adenomatous polyposis 1. Last evaluated: 2024-04-15. Review status: criteria provided, single submitter. Criteria: Invitae Variant Classification Sherloc (09022015). Collection method: clinical testing. Allele origin: germline.
Comment: This sequence change replaces methionine, which is neutral and non-polar, with isoleucine, which is neutral and non-polar, at codon 200 of the APC protein (p.Met200Ile). This variant is not present in population databases (gnomAD no frequency). This variant has not been reported in the literature in individuals affected with APC-related conditions. ClinVar contains an entry for this variant (Variation ID: 571507). Advanced modeling of protein sequence and biophysical properties (such as structural, functional, and spatial information, amino acid conservation, physicochemical variation, residue mobility, and thermodynamic stability) performed at Invitae indicates that this missense variant is not expected to disrupt APC protein function with a negative predictive value of 95%. In summary, the available evidence is currently insufficient to determine the role of this variant in disease. Therefore, it has been classified as a Variant of Uncertain Significance.

Ambry Genetics
Classification: Uncertain significance for Hereditary cancer-predisposing syndrome. Last evaluated: 2023-12-17. Review status: criteria provided, single submitter. Criteria: Ambry Variant Classification Scheme 2023. Collection method: clinical testing. Allele origin: germline.
Comment: The p.M200I variant (also known as c.600G>C), located in coding exon 5 of the APC gene, results from a G to C substitution at nucleotide position 600. The methionine at codon 200 is replaced by isoleucine, an amino acid with highly similar properties. This amino acid position is conserved. In addition, in silico predictors for this gene do not accurately predict pathogenicity. Since supporting evidence is limited at this time, the clinical significance of this alteration remains unclear.

Color Diagnostics, LLC DBA Color Health
Classification: Uncertain significance for Hereditary cancer-predisposing syndrome. Last evaluated: 2023-12-04. Review status: criteria provided, single submitter. Criteria: ACMG Guidelines, 2015. Collection method: clinical testing. Allele origin: germline.
Comment: This missense variant replaces methionine with isoleucine at codon 200 of the APC protein. Computational prediction suggests that this variant may have deleterious impact on protein structure and function (internally defined REVEL score threshold >= 0.7, PMID: 27666373). To our knowledge, functional studies have not been reported for this variant. This variant has not been reported in individuals affected with APC-related disorders in the literature. This variant has not been identified in the general population by the Genome Aggregation Database (gnomAD). The available evidence is insufficient to determine the role of this variant in disease conclusively. Therefore, this variant is classified as a Variant of Uncertain Significance.